The following is an entry in ClinVar:

NM_002772.3(TMPRSS15):c.2716C>G (p.Pro906Ala)

Gene: TMPRSS15 (transmembrane serine protease 15; minus strand). Cytogenetic location: 21q21.1.
Variant type: single nucleotide variant.
Coding change: c.2716C>G on transcript NM_002772.3 (MANE Select); coding-DNA position 2716, C replaced by G.
Protein change: p.Pro906Ala; replaces proline 906 with alanine.
Molecular consequence: missense variant.
Genome position (GRCh38, 1-based): chr21:18,279,012, G>C on the plus strand (C>G on the coding strand, the complement: TMPRSS15 is on the minus strand). VCF-style: chr21-18279012-G-C. GRCh37 (hg19) VCF-style: chr21-19651329-G-C.
Other names: short protein forms P906A.
Identifiers: ClinVar variation 790438 (VCV000790438.33), dbSNP rs147119206, ClinGen allele CA9983944.

ClinVar aggregate classification (germline): Benign/Likely benign. Review status: criteria provided, multiple submitters, no conflicts (2 of 4 stars). 3 submissions from 3 submitters: Benign (2); Likely benign (1). Last evaluated 2026-02-01.

Allele frequency attached by ClinVar (database versions not stated): TOPMed 0.00345; ESP Exome Variant Server 0.00385; 1000 Genomes Project 0.00399; gnomAD 0.00414 and 0.00425; 1000 Genomes Project 30x 0.00422; gnomAD exomes 0.00469 and 0.00488; ExAC 0.00566.
gnomAD v4.1: 7,387 of 1,600,106 alleles (0.46%); highest among the groups gnomAD compares: Admixed American, 0.52%; 29 homozygotes.

Submissions (3):

Labcorp Genetics (formerly Invitae), Labcorp
Classification: Benign. Last evaluated: 2026-02-01. Review status: criteria provided, single submitter. Criteria: Invitae Variant Classification Sherloc (09022015). Collection method: clinical testing. Allele origin: germline.

CeGaT Center for Human Genetics Tuebingen
Classification: Likely benign. Last evaluated: 2022-12-01. Review status: criteria provided, single submitter. Criteria: CeGaT Center For Human Genetics Tuebingen Variant Classification Criteria Version 2. Collection method: clinical testing. Allele origin: germline. Affected: yes. Observed: 1 variant allele.
Comment: TMPRSS15: BP4, BS2

Breakthrough Genomics
Classification: Benign. Review status: criteria provided, single submitter. Criteria: ACMG Guidelines, 2015. Collection method: not provided. Allele origin: germline. Inheritance: Autosomal recessive inheritance. Affected: yes.